The following is an entry in ClinVar:

ClinVar aggregate classification (germline): Benign/Likely benign. Review status: criteria provided, multiple submitters, no conflicts (2 of 4 stars). 5 submissions from 5 submitters: Benign (1); Likely benign (1). 3 of the submissions do not count toward it. Last evaluated 2026-01-17.

Conditions:
EP300-related disorder. Also called: EP300-related disorders; EP300-related condition.
Rubinstein-Taybi syndrome due to EP300 haploinsufficiency. Also called: RUBINSTEIN-TAYBI SYNDROME 2; EP300-Related Rubinstein-Taybi Syndrome. Identifiers: Orphanet 353284, Orphanet 783, MedGen C3150941, MONDO:0013364, OMIM 613684.

Allele frequency attached by ClinVar (database versions not stated): TOPMed 0.00005; gnomAD 0.00008 and 0.00009; gnomAD exomes 0.00012 and 0.00017; ExAC 0.00013; ESP Exome Variant Server 0.00015.
gnomAD v4.1: 260 of 1,614,052 alleles (0.016%); highest among the groups gnomAD compares: Non-Finnish European, 0.02%; no homozygotes.

Submissions (5):

Labcorp Genetics (formerly Invitae), Labcorp
Classification: Benign for Rubinstein-Taybi syndrome due to EP300 haploinsufficiency. Last evaluated: 2026-01-17. Review status: criteria provided, single submitter. Criteria: Invitae Variant Classification Sherloc (09022015). Collection method: clinical testing. Allele origin: germline.

CeGaT Center for Human Genetics Tuebingen
Classification: Likely benign. Last evaluated: 2026-01-01. Review status: criteria provided, single submitter. Criteria: CeGaT Center For Human Genetics Tuebingen Variant Classification Criteria Version 2. Collection method: clinical testing. Allele origin: germline. Affected: yes. Observed: 3 variant alleles.
Comment: EP300: BP4, BS2

PreventionGenetics, part of Exact Sciences
Classification: Likely benign for EP300-related condition. Last evaluated: 2021-12-30. Review status: no assertion criteria provided. Collection method: clinical testing. Allele origin: germline. Not counted in ClinVar's aggregate classification.
Comment: This variant is classified as likely benign based on ACMG/AMP sequence variant interpretation guidelines (Richards et al. 2015 PMID: 25741868, with internal and published modifications).

ITMI
No classification provided. Condition: AllHighlyPenetrant. Last evaluated: 2013-09-19. Review status: no classification provided. Collection method: reference population. Allele origin: germline. Not counted in ClinVar's aggregate classification.
Comment: Please see associated publication for description of ethnicities

Department of Pathology and Laboratory Medicine, Sinai Health System
Classification: Likely benign. Review status: no assertion criteria provided. Collection method: clinical testing. Allele origin: unknown. Affected: yes. Study: The Canadian Open Genetics Repository (COGR). Not counted in ClinVar's aggregate classification.
Comment: The EP300 p.N251S variant was not identified in the literature but was identified in dbSNP (ID: rs142009367) and ClinVar (classified as benign by Invitae). The variant was identified in control databases in 36 of 282836 chromosomes at a frequency of 0.0001273, and was observed at the highest frequency in the European (non-Finnish) population in 30 of Â¬â€  Â¬â€  129164 chromosomes (freq: 0.0002323) (Genome Aggregation Database March 6, 2019, v2.1.1). The p.N251 residue is not conserved in mammals and computational analyses (MUT Assesor, SIFT, MutationTaster, Revel, FATHMM, MetaLR, DANN) do not suggest a high likelihood of impact to the protein; this information is not very predictive of pathogenicity. The variant occurs outside of the splicing consensus sequence and in silico or computational prediction software programs (Splice AI exome) do not predict a difference in splicing. In summary, based on the above information the clinical significance of this variant cannot be determined with certainty at this time although we would lean towards a more benign role for this variant. This variant is classified as likely benign.

Literature cited by the submitters: PubMed 24728327 (cited by ITMI).

NM_001429.4(EP300):c.752A>G (p.Asn251Ser)

Gene: EP300 (EP300 lysine acetyltransferase; plus strand). Cytogenetic location: 22q13.2.
Variant type: single nucleotide variant.
Coding change: c.752A>G on transcript NM_001429.4 (MANE Select); coding-DNA position 752, A replaced by G.
Protein change: p.Asn251Ser; replaces asparagine 251 with serine.
Molecular consequence: missense variant.
Genome position (GRCh38, 1-based): chr22:41,125,886, A>G. VCF-style: chr22-41125886-A-G. GRCh37 (hg19) VCF-style: chr22-41521890-A-G.
Other names: c.752A>G, p.Asn251Ser (NM_001362843.2); short protein forms N251S.
Identifiers: ClinVar variation 134045 (VCV000134045.33), dbSNP rs142009367, ClinGen allele CA158500.
Genomic context (GRCh38, chr22:41,125,886, plus strand): 5'-TATTGCTTATTTTGTTTTCTTTTGTTTCTTACTCTTAGATGGGAATGATGAACAACCCCA[A>G]TCCTTATGGTTCACCATATACTCAGAATCCTGGACAGCAGATTGGAGCCAGTGGCCTTGG-3'
Protein context (NP_001420.2, residues 241-261): PLKMGMMNNP[Asn251Ser]PYGSPYTQNP